The following is an entry in ClinVar:

ClinVar aggregate classification (germline): Uncertain significance (1 of 4 stars; one submission).

Conditions:
Perlman syndrome (PRLMNS). Identifiers: Orphanet 2849, MedGen C0796113, MONDO:0009965, OMIM 267000.

Allele frequency attached by ClinVar (database versions not stated): TOPMed below 0.00001.
gnomAD v4.1: 1 of 1,550,638 alleles (0.000064%); no homozygotes.

Submission:

Labcorp Genetics (formerly Invitae), Labcorp
Classification: Uncertain significance for Perlman syndrome. Last evaluated: 2023-04-10. Review status: criteria provided, single submitter. Criteria: Invitae Variant Classification Sherloc (09022015). Collection method: clinical testing. Allele origin: germline.
Comment: In summary, the available evidence is currently insufficient to determine the role of this variant in disease. Therefore, it has been classified as a Variant of Uncertain Significance. Advanced modeling of protein sequence and biophysical properties (such as structural, functional, and spatial information, amino acid conservation, physicochemical variation, residue mobility, and thermodynamic stability) performed at Invitae indicates that this missense variant is not expected to disrupt DIS3L2 protein function. This variant has not been reported in the literature in individuals affected with DIS3L2-related conditions. This variant is not present in population databases (gnomAD no frequency). This sequence change replaces glutamine, which is neutral and polar, with arginine, which is basic and polar, at codon 827 of the DIS3L2 protein (p.Gln827Arg).

NM_152383.5(DIS3L2):c.2480A>G (p.Gln827Arg)

Gene: DIS3L2 (DIS3 like 3'-5' exoribonuclease 2; plus strand). Cytogenetic location: 2q37.1.
Variant type: single nucleotide variant.
Coding change: c.2480A>G on transcript NM_152383.5 (MANE Select); coding-DNA position 2480, A replaced by G.
Protein change: p.Gln827Arg; replaces glutamine 827 with arginine.
Molecular consequence: missense variant. On other transcripts: non-coding transcript variant (2), intron variant (1).
Genome position (GRCh38, 1-based): chr2:232,335,858, A>G. VCF-style: chr2-232335858-A-G. GRCh37 (hg19) VCF-style: chr2-233200568-A-G.
Other names: c.1582-7487A>G (NM_001257281.2); short protein forms Q827R.
Identifiers: ClinVar variation 2794862 (VCV002794862.3), dbSNP rs1434040025, ClinGen allele CA350978323.